The following is an entry in ClinVar:

Conditions:
Breast-ovarian cancer, familial, susceptibility to, 1 (BROVCA1). Also called: BRCA1 Hereditary Breast and Ovarian Cancer; OVARIAN CANCER, SUSCEPTIBILITY TO. Identifiers: Orphanet 145, MedGen C2676676, MONDO:0011450, OMIM 604370. Disease mechanism: loss of function.

Submission:

Brotman Baty Institute, University of Washington
No classification provided (evidence only). Condition: Breast-ovarian cancer, familial 1. Review status: no classification provided. Collection method: in vitro. Allele origin: not applicable. Functional consequence: functionally_normal.
ClinVar note: "not provided" was previously submitted as the classification for the variant. However, the classification appeared to be based only on an observation of functional data so it was converted to no classification on 2025-07-30.

NM_007294.4(BRCA1):c.5332+17A>G

Gene: BRCA1 (BRCA1 DNA repair associated; minus strand). Cytogenetic location: 17q21.31.
Variant type: single nucleotide variant.
Coding change: c.5332+17A>G on transcript NM_007294.4 (MANE Select); 17 bases into the intron after coding-DNA position 5332, A replaced by G.
Molecular consequence: intron variant.
Genome position (GRCh38, 1-based): chr17:43,051,046, T>C on the plus strand (A>G on the coding strand, the complement: BRCA1 is on the minus strand). VCF-style: chr17-43051046-T-C. GRCh37 (hg19) VCF-style: chr17-41203063-T-C.
Other names: c.5203+17A>G (NM_001407941.1, NM_001407683.1, NM_001407686.1 and 6 more transcripts); c.5206+17A>G (NM_001407673.1, NM_001407674.1, NM_001407939.1 and 10 more transcripts); c.2017+17A>G (NM_001408400.1, NM_001408392.1, NM_001408397.1 and 8 more transcripts); c.2020+17A>G (NM_001407986.1, NM_001407979.1, NM_001407982.1 and 12 more transcripts); c.2086+17A>G (NM_001407972.1); c.5326+17A>G (NM_001407630.1, NM_001407633.1, NM_001407642.1 and 14 more transcripts); c.5329+17A>G (NM_001407615.1, NM_001407625.1, NM_001407619.1 and 17 more transcripts); c.5392+17A>G (NM_001407591.1, NM_001407590.1); and 74 more.
Identifiers: ClinVar variation 865334 (VCV000865334.3), dbSNP rs1597804069, ClinGen allele CA916080978.
Genomic context (GRCh38, chr17:43,051,046, plus strand): 5'-TGGGATCTTGCTTATAATACTCCACTATGTAAGACAAAGGCTGGTGCTGGAACTCTGGGG[T>C]TCTCCCAGGCTCTTACCTGTGGGCATGTTGGTGAAGGGCCCATAGCAACAGATTTCTAGC-3'